The following is an entry in ClinVar:

ClinVar aggregate classification (germline): Pathogenic (1 of 4 stars; one submission).

Conditions:
Angelman syndrome (AS). Also called: HAPPY PUPPET SYNDROME. Identifiers: Orphanet 72, MedGen C0162635, MONDO:0007113, OMIM 105830. Disease mechanism: loss of function. Inheritance: AS is caused by disruption of maternally imprinted UBE3A located within the 15q11.2-q13 Angelman syndrome/Prader-Willi syndrome (AS/PWS) region., imprinting disorder.

Submission:

Labcorp Genetics (formerly Invitae), Labcorp
Classification: Pathogenic for Angelman syndrome. Last evaluated: 2023-11-27. Review status: criteria provided, single submitter. Criteria: Invitae Variant Classification Sherloc (09022015). Collection method: clinical testing. Allele origin: germline.
Comment: This sequence change creates a premature translational stop signal (p.Tyr111*) in the UBE3A gene. It is expected to result in an absent or disrupted protein product. Loss-of-function variants in UBE3A are known to be pathogenic (PMID: 25212744). This variant is not present in population databases (gnomAD no frequency). This variant has not been reported in the literature in individuals affected with UBE3A-related conditions. ClinVar contains an entry for this variant (Variation ID: 1453396). For these reasons, this variant has been classified as Pathogenic.

Literature cited by the submitters: PubMed 25212744.

NM_130839.5(UBE3A):c.393T>A (p.Tyr131Ter)

Genes: SNHG14 (small nucleolar RNA host gene 14; plus strand), UBE3A (ubiquitin protein ligase E3A; minus strand). Cytogenetic location: 15q11.2.
Variant type: single nucleotide variant.
Coding change: c.393T>A on transcript NM_130839.5 (MANE Select); coding-DNA position 393, T replaced by A.
Protein change: p.Tyr131Ter; replaces tyrosine 131 with a stop codon.
Molecular consequence: nonsense. On other transcripts: non-coding transcript variant (1), intron variant (2).
Genome position (GRCh38, 1-based): chr15:25,371,781, A>T on the plus strand (T>A on the coding strand, the complement: UBE3A is on the minus strand). VCF-style: chr15-25371781-A-T. GRCh37 (hg19) VCF-style: chr15-25616928-A-T.
Other names: c.333T>A, p.Tyr111Ter (NM_001354539.2, NM_001354506.2, NM_001354507.2 and 17 more transcripts); c.402T>A, p.Tyr134Ter (NM_000462.5); c.393T>A, p.Tyr131Ter (NM_001354505.1, NM_001354538.2, NM_001354545.2); c.216T>A, p.Tyr72Ter (NM_001354546.2); c.301+3684T>A (NM_001354551.2); c.361+3684T>A (NM_001354550.2); short protein forms Y131*, Y111*, Y134*, Y72*.
Identifiers: ClinVar variation 1453396 (VCV001453396.6), dbSNP rs2152823877, ClinGen allele CA391355960.